The following is an entry in ClinVar:

ClinVar aggregate classification (germline): Likely benign (1 of 4 stars; one submission).

Submission:

CeGaT Center for Human Genetics Tuebingen
Classification: Likely benign. Last evaluated: 2022-12-01. Review status: criteria provided, single submitter. Criteria: CeGaT Center For Human Genetics Tuebingen Variant Classification Criteria Version 2. Collection method: clinical testing. Allele origin: germline. Affected: yes. Observed: 1 variant allele.
Comment: ATP2B3: PM2:Supporting, BP4, BP7

NM_001001344.3(ATP2B3):c.57G>C (p.Arg19=)

Gene: ATP2B3 (ATPase plasma membrane Ca2+ transporting 3; plus strand). Cytogenetic location: Xq28.
Variant type: single nucleotide variant.
Coding change: c.57G>C on transcript NM_001001344.3 (MANE Select); coding-DNA position 57, G replaced by C.
Protein change: p.Arg19=; no amino-acid change (arginine 19 retained).
Molecular consequence: synonymous variant.
Genome position (GRCh38, 1-based): chrX:153,536,304, G>C. VCF-style: chrX-153536304-G-C. GRCh37 (hg19) VCF-style: chrX-152801762-G-C.
Other names: c.57G>C, p.Arg19= (NM_001388360.1, NM_001388361.1, NM_001388362.1 and 2 more transcripts).
Identifiers: ClinVar variation 2661695 (VCV002661695.24), dbSNP rs2521441766, ClinGen allele CA519210079.
Genomic context (GRCh38, chrX:153,536,304, plus strand): 5'-CAGCATGGGCGACATGGCCAATAGTTCCATCGAGTTCCACCCCAAGCCCCAGCAGCAGCG[G>C]GATGTCCCCCAGGCTGGAGGCTTTGGGTGCACGCTGGCGGAGCTGCGCACCCTCATGGAG-3'
Protein context (NP_001001344.1, residues 9-29): IEFHPKPQQQ[Arg19=]DVPQAGGFGC